The following is an entry in ClinVar:

ClinVar aggregate classification (germline): Likely benign. Review status: criteria provided, multiple submitters, no conflicts (2 of 4 stars). 5 submissions from 5 submitters: Likely benign (5). Last evaluated 2026-01-28.

Conditions:
Charcot-Marie-Tooth disease axonal type 2O. Also called: CHARCOT-MARIE-TOOTH NEUROPATHY, AXONAL, TYPE 2O; CHARCOT-MARIE-TOOTH DISEASE, AXONAL, AUTOSOMAL DOMINANT, TYPE 2O; Charcot-Marie-Tooth disease, axonal, type 20; Charcot-Marie-Tooth Neuropathy Type 2O. Identifiers: Orphanet 284232, MedGen C3280220, MONDO:0013644, OMIM 614228.
DYNC1H1-related disorder. Also called: DYNC1H1-related condition; DYNC1H1-related disorders. Identifiers: MedGen CN381529.

Allele frequency attached by ClinVar (database versions not stated): gnomAD 0.00011; gnomAD exomes 0.00012 and 0.00029; TOPMed 0.00012; ESP Exome Variant Server 0.00015; ExAC 0.00019.
gnomAD v4.1: 442 of 1,613,418 alleles (0.027%); highest among the groups gnomAD compares: Non-Finnish European, 0.035%; no homozygotes.

Submissions (5):

Labcorp Genetics (formerly Invitae), Labcorp
Classification: Likely benign for Charcot-Marie-Tooth disease axonal type 2O. Last evaluated: 2026-01-28. Review status: criteria provided, single submitter. Criteria: Invitae Variant Classification Sherloc (09022015). Collection method: clinical testing. Allele origin: germline.

PreventionGenetics, part of Exact Sciences
Classification: Likely benign for DYNC1H1-related condition. Last evaluated: 2025-12-19. Review status: criteria provided, single submitter. Criteria: ACMG Guidelines, 2015. Collection method: clinical testing. Allele origin: germline.
Comment: This variant is classified as likely benign based on ACMG/AMP sequence variant interpretation guidelines (Richards et al. 2015 PMID: 25741868, with internal and published modifications).

CeGaT Center for Human Genetics Tuebingen
Classification: Likely benign. Last evaluated: 2023-04-01. Review status: criteria provided, single submitter. Criteria: CeGaT Center For Human Genetics Tuebingen Variant Classification Criteria Version 2. Collection method: clinical testing. Allele origin: germline. Affected: yes. Observed: 1 variant allele.
Comment: DYNC1H1: BP4, BP7

GeneDx
Classification: Likely benign. Last evaluated: 2020-06-23. Review status: criteria provided, single submitter. Criteria: GeneDx Variant Classification Process June 2021. Collection method: clinical testing. Allele origin: germline. Affected: yes.

Genetic Services Laboratory, University of Chicago
Classification: Likely benign. Last evaluated: 2015-11-25. Review status: criteria provided, single submitter. Criteria: ACMG Guidelines, 2015. Collection method: clinical testing. Allele origin: germline. Affected: no.

NM_001376.5(DYNC1H1):c.13113C>T (p.Asp4371=)

Gene: DYNC1H1 (dynein cytoplasmic 1 heavy chain 1; plus strand). Cytogenetic location: 14q32.31.
Variant type: single nucleotide variant.
Coding change: c.13113C>T on transcript NM_001376.5 (MANE Select); coding-DNA position 13113, C replaced by T.
Protein change: p.Asp4371=; no amino-acid change (aspartic acid 4371 retained).
Molecular consequence: synonymous variant.
Genome position (GRCh38, 1-based): chr14:102,047,923, C>T. VCF-style: chr14-102047923-C-T. GRCh37 (hg19) VCF-style: chr14-102514260-C-T.
Identifiers: ClinVar variation 389066 (VCV000389066.42), dbSNP rs372518648, ClinGen allele CA7354148.